The following is an entry in ClinVar:

ClinVar aggregate classification (germline): Uncertain significance (1 of 4 stars; one submission).

Conditions:
Pyruvate dehydrogenase E3 deficiency (DLDD). Also called: Lipoamide dehydrogenase deficiency, lactic acidosis due to; Lipoamide dehydrogenase deficiency; Dihydrolipoamide Dehydrogenase (E3) Deficiency; Dihydrolipoamide Dehydrogenase E3 Deficiency; MAPLE SYRUP URINE DISEASE, TYPE III; Dihydrolipoamide Dehydrogenase Deficiency. Identifiers: Orphanet 2394, Orphanet 765, MedGen C5574660, MONDO:0009529, OMIM 246900.

Submission:

Labcorp Genetics (formerly Invitae), Labcorp
Classification: Uncertain significance for Pyruvate dehydrogenase E3 deficiency. Last evaluated: 2024-12-07. Review status: criteria provided, single submitter. Criteria: Invitae Variant Classification Sherloc (09022015). Collection method: clinical testing. Allele origin: germline.
Comment: This sequence change replaces glutamine, which is neutral and polar, with histidine, which is basic and polar, at codon 126 of the DLD protein (p.Gln126His). This variant is not present in population databases (gnomAD no frequency). This variant has not been reported in the literature in individuals affected with DLD-related conditions. Invitae Evidence Modeling of protein sequence and biophysical properties (such as structural, functional, and spatial information, amino acid conservation, physicochemical variation, residue mobility, and thermodynamic stability) indicates that this missense variant is not expected to disrupt DLD protein function with a negative predictive value of 95%. In summary, the available evidence is currently insufficient to determine the role of this variant in disease. Therefore, it has been classified as a Variant of Uncertain Significance.

NM_000108.5(DLD):c.378G>C (p.Gln126His)

Gene: DLD (dihydrolipoamide dehydrogenase; plus strand). Cytogenetic location: 7q31.1.
Variant type: single nucleotide variant.
Coding change: c.378G>C on transcript NM_000108.5 (MANE Select); coding-DNA position 378, G replaced by C.
Protein change: p.Gln126His; replaces glutamine 126 with histidine.
Molecular consequence: missense variant.
Genome position (GRCh38, 1-based): chr7:107,904,998, G>C. VCF-style: chr7-107904998-G-C. GRCh37 (hg19) VCF-style: chr7-107545443-G-C.
Other names: c.81G>C, p.Gln27His (NM_001289750.1); c.309G>C, p.Gln103His (NM_001289751.1); c.378G>C, p.Gln126His (NM_001289752.1); short protein forms Q27H, Q103H, Q126H.
Identifiers: ClinVar variation 3721112 (VCV003721112.2).
Genomic context (GRCh38, chr7:107,904,998, plus strand): 5'-ATTAATTGAACAAATTACAGTGTCCGAAGTTCGCTTGAATTTAGACAAGATGATGGAGCA[G>C]AAGAGTACTGCAGTAAAAGCTTTAACAGGTGGAATTGCCCACTTATTCAAACAGAATAAG-3'
Protein context (NP_000099.2, residues 116-136): VRLNLDKMME[Gln126His]KSTAVKALTG